The following is an entry in ClinVar:

NM_004991.4(MECOM):c.2342G>A (p.Ser781Asn)

Gene: MECOM (MDS1 and EVI1 complex locus; minus strand). Cytogenetic location: 3q26.2.
Variant type: single nucleotide variant.
Coding change: c.2342G>A on transcript NM_004991.4 (MANE Select); coding-DNA position 2342, G replaced by A.
Protein change: p.Ser781Asn; replaces serine 781 with asparagine.
Molecular consequence: missense variant.
Genome position (GRCh38, 1-based): chr3:169,115,530, C>T on the plus strand (G>A on the coding strand, the complement: MECOM is on the minus strand). VCF-style: chr3-169115530-C-T. GRCh37 (hg19) VCF-style: chr3-168833318-C-T.
Other names: c.2342G>A (NM_004991.3); c.1781G>A, p.Ser594Asn (NM_001366467.2, NM_001366468.2, NM_001366470.2 and 1 more transcripts); c.1778G>A, p.Ser593Asn (NM_001366469.2, NM_001366471.2, NM_001366472.2 and 4 more transcripts); c.1370G>A, p.Ser457Asn (NM_001366473.2); c.806G>A, p.Ser269Asn (NM_001366474.2); c.1973G>A, p.Ser658Asn (NM_001105077.4); c.2342G>A, p.Ser781Asn (NM_001366466.2); short protein forms S457N, S593N, S269N, S781N, S594N, S658N.
Identifiers: ClinVar variation 2199794 (VCV002199794.6), dbSNP rs200315542, ClinGen allele CA2696201.

ClinVar aggregate classification (germline): Likely benign. Review status: criteria provided, multiple submitters, no conflicts (2 of 4 stars). 3 submissions from 3 submitters: Likely benign (3). Last evaluated 2026-01-26.

Conditions:
MECOM-related disorder. Also called: MECOM-related condition.

Allele frequency attached by ClinVar (database versions not stated): gnomAD exomes 0.00002; TOPMed 0.00005; gnomAD 0.00007; ExAC 0.00010; 1000 Genomes Project 0.00020; 1000 Genomes Project 30x 0.00031.
gnomAD v4.1: 44 of 1,614,104 alleles (0.0027%); highest among the groups gnomAD compares: East Asian, 0.078%; no homozygotes.

Submissions (3):

Labcorp Genetics (formerly Invitae), Labcorp
Classification: Likely benign. Last evaluated: 2026-01-26. Review status: criteria provided, single submitter. Criteria: Invitae Variant Classification Sherloc (09022015). Collection method: clinical testing. Allele origin: germline.

PreventionGenetics, part of Exact Sciences
Classification: Likely benign for MECOM-related condition. Last evaluated: 2025-12-19. Review status: criteria provided, single submitter. Criteria: ACMG Guidelines, 2015. Collection method: clinical testing. Allele origin: germline.
Comment: This variant is classified as likely benign based on ACMG/AMP sequence variant interpretation guidelines (Richards et al. 2015 PMID: 25741868, with internal and published modifications).

Blueprint Genetics
Classification: Likely benign. Last evaluated: 2023-04-19. Review status: criteria provided, single submitter. Criteria: ACMG Guidelines, 2015. Collection method: clinical testing. Allele origin: germline.